The following is an entry in ClinVar:

NM_152296.5(ATP1A3):c.2819+1G>A

Gene: ATP1A3 (ATPase Na+/K+ transporting subunit alpha 3; minus strand). Cytogenetic location: 19q13.2.
Variant type: single nucleotide variant.
Coding change: c.2819+1G>A on transcript NM_152296.5 (MANE Select); the canonical splice donor site of the intron after coding-DNA position 2819, G replaced by A.
Molecular consequence: splice donor variant.
Genome position (GRCh38, 1-based): chr19:41,968,784, C>T on the plus strand (G>A on the coding strand, the complement: ATP1A3 is on the minus strand). VCF-style: chr19-41968784-C-T. GRCh37 (hg19) VCF-style: chr19-42472936-C-T.
Other names: c.2858+1G>A (NM_001256214.2); c.2852+1G>A (NM_001256213.2).
Identifiers: ClinVar variation 4975406 (VCV004975406.1).

ClinVar aggregate classification (germline): Uncertain significance (1 of 4 stars; one submission).

Submission:

GeneDx
Classification: Uncertain significance. Last evaluated: 2026-01-29. Review status: criteria provided, single submitter. Criteria: GeneDx Variant Classification Process June 2021. Collection method: clinical testing. Allele origin: germline.
Comment: Not observed at significant frequency in large population cohorts (gnomAD); Canonical splice site variant in a gene or region of a gene for which loss of function is not a well-established mechanism of disease; Has not been previously published as pathogenic or benign to our knowledge